The following is an entry in ClinVar:

ClinVar aggregate classification (germline): Uncertain significance (1 of 4 stars; one submission).

Conditions:
Hereditary sensory and autonomic neuropathy type 7. Also called: HSAN VII; Neuropathy, hereditary sensory and autonomic, type VII. Identifiers: Orphanet 391397, MedGen C3809882, MONDO:0014244, OMIM 615548.
Familial episodic pain syndrome with predominantly lower limb involvement. Also called: Episodic pain syndrome, familial, 3. Identifiers: Orphanet 391384, Orphanet 391392, MedGen C3809899, MONDO:0014247, OMIM 615552.

Submission:

Labcorp Genetics (formerly Invitae), Labcorp
Classification: Uncertain significance for Familial episodic pain syndrome with predominantly lower limb involvement; Hereditary sensory and autonomic neuropathy type 7. Last evaluated: 2023-07-06. Review status: criteria provided, single submitter. Criteria: Invitae Variant Classification Sherloc (09022015). Collection method: clinical testing. Allele origin: germline.
Comment: This sequence change creates a premature translational stop signal (p.Ile1086Serfs*5) in the SCN11A gene. It is expected to result in an absent or disrupted protein product. However, the current clinical and genetic evidence is not sufficient to establish whether loss-of-function variants in SCN11A cause disease. This variant is not present in population databases (gnomAD no frequency). This variant has not been reported in the literature in individuals affected with SCN11A-related conditions. In summary, the available evidence is currently insufficient to determine the role of this variant in disease. Therefore, it has been classified as a Variant of Uncertain Significance.

NM_001349253.2(SCN11A):c.3252del (p.Ile1086fs)

Gene: SCN11A (sodium voltage-gated channel alpha subunit 11; minus strand). Cytogenetic location: 3p22.2.
Variant type: Deletion.
Coding change: c.3252del on transcript NM_001349253.2 (MANE Select); coding-DNA position 3252, one base deleted (C; older notation c.3252delC).
Protein change: p.Ile1086fs; shifts the reading frame from isoleucine 1086.
Molecular consequence: frameshift variant.
Genome position (GRCh38, 1-based): chr3:38,880,091, G deleted on the plus strand (C on the coding strand, the reverse complement: SCN11A is on the minus strand); the first of 3 consecutive G bases (chr3:38,880,091-38,880,093); deleting any one gives the same sequence. VCF-style (leftmost placement, unchanged base first): chr3-38880090-TG-T. GRCh37 (hg19) VCF-style: chr3-38921581-TG-T.
Other names: c.3252del, p.Ile1086fs (NM_014139.3); short protein forms I1086fs.
Identifiers: ClinVar variation 2938476 (VCV002938476.3), dbSNP rs2471053523, ClinGen allele CA2665126509.